The following is an entry in ClinVar:

ClinVar aggregate classification (germline): Benign. Review status: criteria provided, multiple submitters, no conflicts (2 of 4 stars). 9 submissions from 8 submitters: Benign (7). 2 of the submissions do not count toward it. Last evaluated 2026-02-03.

Conditions:
Leigh syndrome (NULS). Also called: Leigh Disease; Subacute necrotizing encephalopathy; Necrotizing encephalopathy infantile subacute of Leigh; Leigh's necrotizing encephalopathy; Leigh's disease; Leigh Syndrome (mtDNA deletion). Identifiers: Orphanet 506, MedGen C2931891, MONDO:0009723, OMIM 256000.
Mitochondrial complex I deficiency, nuclear type 1. Also called: NADH-COENZYME Q REDUCTASE DEFICIENCY; MITOCHONDRIAL NADH DEHYDROGENASE COMPONENT OF COMPLEX I, DEFICIENCY OF. Identifiers: MedGen C6022305, MONDO:0100224, OMIM 252010.
Mitochondrial complex I deficiency, nuclear type 22. Also called: Mitochondrial complex 1 deficiency, nuclear type 22. Identifiers: MedGen C4748796, MONDO:0032626, OMIM 618243.

Allele frequency attached by ClinVar (database versions not stated): gnomAD exomes 0.65867; ExAC 0.66626; ESP Exome Variant Server 0.69453; TOPMed 0.69748; gnomAD 0.69842 and 0.70392; 1000 Genomes Project 30x 0.69956; 1000 Genomes Project 0.70248.
gnomAD v4.1: 1,068,948 of 1,613,746 alleles (66%); highest among the groups gnomAD compares: African/African-American, 79%; 356,051 homozygotes.

Submissions (9):

Labcorp Genetics (formerly Invitae), Labcorp
Classification: Benign. Last evaluated: 2026-02-03. Review status: criteria provided, single submitter. Criteria: Invitae Variant Classification Sherloc (09022015). Collection method: clinical testing. Allele origin: germline.

Blueprint Genetics
Classification: Benign. Last evaluated: 2024-11-26. Review status: criteria provided, single submitter. Criteria: ACMG Guidelines, 2015. Collection method: clinical testing. Allele origin: germline.

Genome-Nilou Lab
Classification: Benign for Mitochondrial complex I deficiency, nuclear type 22. Last evaluated: 2021-09-05. Review status: criteria provided, single submitter. Criteria: ACMG Guidelines, 2015. Collection method: clinical testing. Allele origin: germline. Affected: no.

Illumina Laboratory Services, Illumina
Classification: Benign for Leigh syndrome. Last evaluated: 2018-01-12. Review status: criteria provided, single submitter. Criteria: ICSL Variant Classification Criteria 13 December 2019. Collection method: clinical testing. Allele origin: germline.
Comment: This variant was observed in the ICSL laboratory as part of a predisposition screen in an ostensibly healthy population. It had not been previously curated by ICSL or reported in the Human Gene Mutation Database (HGMD: prior to June 1st, 2018), and was therefore a candidate for classification through an automated scoring system. Utilizing variant allele frequency, disease prevalence and penetrance estimates, and inheritance mode, an automated score was calculated to assess if this variant is too frequent to cause the disease. Based on the score and internal cut-off values, a variant classified as benign is not then subjected to further curation. The score for this variant resulted in a classification of benign for this disease.

Illumina Laboratory Services, Illumina
Classification: Benign for Mitochondrial complex I deficiency, nuclear type 1. Last evaluated: 2018-01-12. Review status: criteria provided, single submitter. Criteria: ICSL Variant Classification Criteria 13 December 2019. Collection method: clinical testing. Allele origin: germline.
Comment: the same text as in the submission from Illumina Laboratory Services, Illumina above.

GeneDx
Classification: Benign. Last evaluated: 2015-03-03. Review status: criteria provided, single submitter. Criteria: GeneDx Variant Classification Process June 2021. Collection method: clinical testing. Allele origin: germline. Affected: yes.

Breakthrough Genomics
Classification: Benign. Review status: criteria provided, single submitter. Criteria: ACMG Guidelines, 2015. Collection method: not provided. Allele origin: germline. Inheritance: Autosomal recessive inheritance. Affected: yes.

Mayo Clinic Laboratories, Mayo Clinic
Classification: Benign. Last evaluated: 2016-02-19. Review status: no assertion criteria provided. Collection method: clinical testing. Allele origin: unknown. Not counted in ClinVar's aggregate classification.

Genetic Services Laboratory, University of Chicago
Classification: Likely benign for AllHighlyPenetrant. Review status: no assertion criteria provided. Collection method: clinical testing. Allele origin: germline. Inheritance: Autosomal recessive inheritance. Not counted in ClinVar's aggregate classification.
Comment: Likely benign based on allele frequency in 1000 Genomes Project or ESP global frequency and its presence in a patient with a rare or unrelated disease phenotype. NOT Sanger confirmed.

NM_004544.4(NDUFA10):c.105A>G (p.Lys35=)

Gene: NDUFA10 (NADH:ubiquinone oxidoreductase subunit A10; minus strand). Cytogenetic location: 2q37.3.
Variant type: single nucleotide variant.
Coding change: c.105A>G on transcript NM_004544.4 (MANE Select); coding-DNA position 105, A replaced by G.
Protein change: p.Lys35=; no amino-acid change (lysine 35 retained).
Molecular consequence: synonymous variant. On other transcripts: non-coding transcript variant (3).
Genome position (GRCh38, 1-based): chr2:240,022,311, T>C on the plus strand (A>G on the coding strand, the complement: NDUFA10 is on the minus strand). VCF-style: chr2-240022311-T-C. GRCh37 (hg19) VCF-style: chr2-240961728-T-C.
Other names: c.105A>G, p.Lys35= (NM_001322019.2, NM_001322020.2).
Identifiers: ClinVar variation 129685 (VCV000129685.26), dbSNP rs2083411, ClinGen allele CA153843.